The following is an entry in ClinVar:

NM_000059.4(BRCA2):c.1570_1571del (p.Met524fs)

Gene: BRCA2 (BRCA2 DNA repair associated; plus strand). Cytogenetic location: 13q13.1.
Variant type: Microsatellite.
Coding change: c.1570_1571del on transcript NM_000059.4 (MANE Select); coding-DNA positions 1570 to 1571, 2 bases deleted (AT; older notation c.1570_1571delAT).
Protein change: p.Met524fs; shifts the reading frame from methionine 524.
Molecular consequence: frameshift variant.
Genome position (GRCh38, 1-based): chr13:32,333,048-32,333,049, AT deleted; deleting any 2 consecutive bases within chr13:32,333,046-32,333,049 gives the same sequence; the c. name uses the placement nearest the transcript's 3' end. VCF-style (leftmost placement, unchanged base first): chr13-32333045-CAT-C. GRCh37 (hg19) VCF-style: chr13-32907182-CAT-C.
Other names: c.1570_1571delAT (NM_000059.3); short protein forms M524fs.
Identifiers: ClinVar variation 216852 (VCV000216852.14), dbSNP rs863224824, ClinGen allele CA336990.

ClinVar aggregate classification (germline): Pathogenic. Review status: reviewed by expert panel (3 of 4 stars). 3 submissions from 3 submitters: Pathogenic (1). 2 of the submissions do not count toward it. Last evaluated 2016-09-08.

Conditions:
Hereditary cancer-predisposing syndrome. Also called: Tumor predisposition; Hereditary Cancer Syndrome; Neoplastic Syndromes, Hereditary; Hereditary neoplastic syndrome. Identifiers: Orphanet 140162, MedGen C0027672, MeSH D009386, MONDO:0015356.
Hereditary breast ovarian cancer syndrome. Also called: Hereditary breast and/or ovarian cancer syndrome; BRCA1- and BRCA2-Associated Hereditary Breast and Ovarian Cancer; Hereditary breast and ovarian cancer; Hereditary breast and ovarian cancer syndrome (HBOC); Breast and ovarian cancer; Hereditary breast and ovarian cancer syndrome. Identifiers: Orphanet 145, MedGen C0677776, MeSH D061325, MONDO:0003582. Disease mechanism: loss of function.
Breast-ovarian cancer, familial, susceptibility to, 2 (BROVCA2). Also called: BRCA2 Hereditary Breast and Ovarian Cancer. Identifiers: Orphanet 145, MedGen C2675520, MONDO:0012933, OMIM 612555. Disease mechanism: loss of function.

Submissions (3):

Evidence-based Network for the Interpretation of Germline Mutant Alleles (ENIGMA)
Classification: Pathogenic for Breast-ovarian cancer, familial, susceptibility to, 2. Last evaluated: 2016-09-08. Review status: reviewed by expert panel. Criteria: ENIGMA BRCA1/2 Classification Criteria (2015). Collection method: curation. Allele origin: germline.
Comment: Variant allele predicted to encode a truncated non-functional protein.

Labcorp Genetics (formerly Invitae), Labcorp
Classification: Pathogenic for Hereditary breast ovarian cancer syndrome. Last evaluated: 2025-09-28. Review status: criteria provided, single submitter. Criteria: Invitae Variant Classification Sherloc (09022015). Collection method: clinical testing. Allele origin: germline. Not counted in ClinVar's aggregate classification.
Comment: This sequence change creates a premature translational stop signal (p.Met524Aspfs*2) in the BRCA2 gene. It is expected to result in an absent or disrupted protein product. Loss-of-function variants in BRCA2 are known to be pathogenic (PMID: 20104584). This variant is not present in population databases (gnomAD no frequency). This variant has not been reported in the literature in individuals affected with BRCA2-related conditions. For these reasons, this variant has been classified as Pathogenic.

Ambry Genetics
Classification: Pathogenic for Hereditary cancer-predisposing syndrome. Last evaluated: 2020-04-13. Review status: criteria provided, single submitter. Criteria: Ambry Variant Classification Scheme 2023. Collection method: clinical testing. Allele origin: germline. Not counted in ClinVar's aggregate classification.
Comment: The c.1570_1571delAT pathogenic mutation, located in coding exon 9 of the BRCA2 gene, results from a deletion of two nucleotides at nucleotide positions 1570 to 1571, causing a translational frameshift with a predicted alternate stop codon (p.M524Dfs*2). In addition to the clinical data presented in the literature, this alteration is expected to result in loss of function by premature protein truncation or nonsense-mediated mRNA decay. As such, this alteration is interpreted as a disease-causing mutation.

Literature cited by the submitters: PubMed 20104584 (cited by Labcorp Genetics (formerly Invitae), Labcorp); PubMed 26287763 (cited by Ambry Genetics).